The following is an entry in ClinVar:

ClinVar aggregate classification (germline): Pathogenic/Likely pathogenic. Review status: criteria provided, multiple submitters, no conflicts (2 of 4 stars). 4 submissions from 4 submitters: Pathogenic (1); Likely pathogenic (2). 1 of the submissions does not count toward it. Last evaluated 2025-05-10.

Conditions:
Dubin-Johnson syndrome (DJS). Also called: HYPERBILIRUBINEMIA, DUBIN-JOHNSON TYPE; Hyperbilirubinemia type 2; Jaundice, Chronic Idiopathic. Identifiers: Orphanet 234, MedGen C0022350, MONDO:0009380, OMIM 237500.
ABCC2-related disorder. Also called: ABCC2-related condition.

Submissions (4):

3billion
Classification: Likely pathogenic for Dubin-Johnson syndrome. Last evaluated: 2025-05-10. Review status: criteria provided, single submitter. Criteria: ACMG Guidelines, 2015. Collection method: clinical testing. Allele origin: germline. Affected: yes.
Comment: The variant is not observed in the gnomAD v4.1.0 dataset. Predicted Consequence/Location: Missense variant. The majority of the known disease-causing variants of this gene are variants expected to result in premature termination of the protein. In silico tool predictions suggest damaging effect of the variant on gene or gene product [REVEL: 0.98 (>=0.6, sensitivity 0.68 and specificity 0.92); 3Cnet: 0.81 (> 0.75, sensitivity 0.96 and precision 0.92)]. The same nucleotide change resulting in the same amino acid change has been previously reported to be associated with ABCC2-related disorder (ClinVar ID: VCV002972670 /PMID: 31450232).A different missense change at the same codon (p.Gly693Arg) has been reported as pathogenic/likely pathogenic with strong evidence (ClinVar ID: VCV000598277, VCV001709676 /PMID: 30344695, 31544333 /3billion dataset). Therefore, this variant is classified as Likely pathogenic according to the recommendation of ACMG/AMP guideline.

Labcorp Genetics (formerly Invitae), Labcorp
Classification: Likely pathogenic. Last evaluated: 2023-10-26. Review status: criteria provided, single submitter. Criteria: Invitae Variant Classification Sherloc (09022015). Collection method: clinical testing. Allele origin: germline.
Comment: This sequence change replaces glycine, which is neutral and non-polar, with glutamic acid, which is acidic and polar, at codon 693 of the ABCC2 protein (p.Gly693Glu). This variant is not present in population databases (gnomAD no frequency). This missense change has been observed in individuals with Dubin-Johnson syndrome (PMID: 31450232, 32758197). Advanced modeling of protein sequence and biophysical properties (such as structural, functional, and spatial information, amino acid conservation, physicochemical variation, residue mobility, and thermodynamic stability) performed at Invitae indicates that this missense variant is expected to disrupt ABCC2 protein function with a positive predictive value of 80%. This variant disrupts the p.Gly693 amino acid residue in ABCC2. Other variant(s) that disrupt this residue have been determined to be pathogenic (PMID: 31544333, 32183854). This suggests that this residue is clinically significant, and that variants that disrupt this residue are likely to be disease-causing. In summary, the currently available evidence indicates that the variant is pathogenic, but additional data are needed to prove that conclusively. Therefore, this variant has been classified as Likely Pathogenic.

Juno Genomics, Hangzhou Juno Genomics, Inc
Classification: Pathogenic for Dubin-Johnson syndrome. Review status: criteria provided, single submitter. Criteria: ACMG Guidelines, 2015. Collection method: clinical testing. Allele origin: germline.
Comment: Absent from controls (or at extremely low frequency if recessive) in Genome Aggregation Database.;Multiple lines of computational evidence support a deleterious effect on the gene or gene product.;For recessive disorders, detected in trans with a pathogenic variant.;Patient's phenotype or family history is highly specific for a disease with a single genetic etiology.

PreventionGenetics, part of Exact Sciences
Classification: Likely pathogenic for ABCC2-related condition. Last evaluated: 2024-09-27. Review status: no assertion criteria provided. Collection method: clinical testing. Allele origin: germline. Not counted in ClinVar's aggregate classification.
Comment: The ABCC2 c.2078G>A variant is predicted to result in the amino acid substitution p.Gly693Glu. This variant was reported in the compound heterozygous state in two individuals with autosomal recessive Dubin-Johnson syndrome (Wang et al. 2020. PubMed ID: 31450232; Kim et al. 2020. PubMed ID: 32758197). An alternate nucleotide change affecting the same amino acid (p.Gly693Arg) has also been reported in individuals with Dubin-Johnson syndrome (Corpechot et al. 2019. PubMed ID: 31544333; Wu et al. 2020. PubMed ID: 32183854). This variant has not been reported in a large population database, indicating this variant is rare. This variant is interpreted as likely pathogenic.

Literature cited by the submitters: PubMed 31450232 (cited by 3billion and Labcorp Genetics (formerly Invitae), Labcorp); PubMed 30344695 (cited by 3billion); PubMed 32758197 (cited by Labcorp Genetics (formerly Invitae), Labcorp); PubMed 31544333 (cited by Labcorp Genetics (formerly Invitae), Labcorp); PubMed 32183854 (cited by Labcorp Genetics (formerly Invitae), Labcorp).

NM_000392.5(ABCC2):c.2078G>A (p.Gly693Glu)

Gene: ABCC2 (ATP binding cassette subfamily C member 2; plus strand). Cytogenetic location: 10q24.2.
Variant type: single nucleotide variant.
Coding change: c.2078G>A on transcript NM_000392.5 (MANE Select); coding-DNA position 2078, G replaced by A.
Protein change: p.Gly693Glu; replaces glycine 693 with glutamic acid.
Molecular consequence: missense variant.
Genome position (GRCh38, 1-based): chr10:99,813,128, G>A. VCF-style: chr10-99813128-G-A. GRCh37 (hg19) VCF-style: chr10-101572885-G-A.
Other names: c.2078G>A (NM_000392.4); short protein forms G693E.
Identifiers: ClinVar variation 2972670 (VCV002972670.8), dbSNP rs2492926991, ClinGen allele CA378114443.
Genomic context (GRCh38, chr10:99,813,128, plus strand): 5'-TCGGCTCTGGGAAATCCTCCTTGATATCAGCCATGCTGGGAGAAATGGAAAATGTCCACG[G>A]GCACATCACCATCAAGGTGAGAGGGAATGCCAATGCAAAAGCCTCTGACTCCCGAATGTC-3'
Protein context (NP_000383.2, residues 683-703): AMLGEMENVH[Gly693Glu]HITIKGTTAY